The following is an entry in ClinVar:

NM_014141.6(CNTNAP2):c.1678C>A (p.Pro560Thr)

Gene: CNTNAP2 (contactin associated protein 2; plus strand). Cytogenetic location: 7q35.
Variant type: single nucleotide variant.
Coding change: c.1678C>A on transcript NM_014141.6 (MANE Select); coding-DNA position 1678, C replaced by A.
Protein change: p.Pro560Thr; replaces proline 560 with threonine.
Molecular consequence: missense variant.
Genome position (GRCh38, 1-based): chr7:147,485,942, C>A. VCF-style: chr7-147485942-C-A. GRCh37 (hg19) VCF-style: chr7-147183034-C-A.
Other names: short protein forms P560T.
Identifiers: ClinVar variation 2104397 (VCV002104397.4), dbSNP rs1430514202, ClinGen allele CA369925805.
Genomic context (GRCh38, chr7:147,485,942, plus strand): 5'-CATAAATCTCATTTGTTTGTTGGTTTATTTCTGTTTGTCTCTCTCTCTGACAGATGTGTG[C>A]CCAATCACTGTGAGCATGGTGGAAAGTGCTCGCAAACATGGGACAGCTTCAAATGCACTT-3'
Protein context (NP_054860.1, residues 550-570): DMCAIIDRCV[Pro560Thr]NHCEHGGKCS

ClinVar aggregate classification (germline): Uncertain significance (1 of 4 stars; one submission).

Conditions:
Cortical dysplasia-focal epilepsy syndrome (PTHSL1). Also called: Pitt-Hopkins-like syndrome 1. Identifiers: Orphanet 163681, Orphanet 221150, MedGen C2750246, MONDO:0012400, OMIM 610042.

gnomAD v4.1: 1 of 1,613,932 alleles (0.000062%); highest among the groups gnomAD compares: Non-Finnish European, 0.000085%; no homozygotes.

Submission:

Labcorp Genetics (formerly Invitae), Labcorp
Classification: Uncertain significance for Cortical dysplasia-focal epilepsy syndrome. Last evaluated: 2022-02-28. Review status: criteria provided, single submitter. Criteria: Invitae Variant Classification Sherloc (09022015). Collection method: clinical testing. Allele origin: germline.
Comment: In summary, the available evidence is currently insufficient to determine the role of this variant in disease. Therefore, it has been classified as a Variant of Uncertain Significance. Algorithms developed to predict the effect of missense changes on protein structure and function are either unavailable or do not agree on the potential impact of this missense change (SIFT: "Deleterious"; PolyPhen-2: "Probably Damaging"; Align-GVGD: "Class C0"). This variant has not been reported in the literature in individuals affected with CNTNAP2-related conditions. This variant is not present in population databases (gnomAD no frequency). This sequence change replaces proline, which is neutral and non-polar, with threonine, which is neutral and polar, at codon 560 of the CNTNAP2 protein (p.Pro560Thr).